The following is an entry in ClinVar:

ClinVar aggregate classification (germline): Uncertain significance. Review status: reviewed by expert panel (3 of 4 stars). 2 submissions from 2 submitters: Uncertain significance (1). 1 of the submissions does not count toward it. Last evaluated 2025-05-19.

Conditions:
Familial adenomatous polyposis 1 (FAP1). Also called: FAMILIAL ADENOMATOUS POLYPOSIS 1, ATTENUATED; POLYPOSIS, ADENOMATOUS INTESTINAL. Identifiers: MedGen C2713442, MONDO:0021056, OMIM 175100. Disease mechanism: loss of function.
Gastric adenocarcinoma and proximal polyposis of the stomach (GAPPS). Also called: Gastric Adenocarcinoma and Proximal Polyposis of the Stomach (GAPPS); Polyposis, gastric, Dos Santos and de Magalhaes 1980; POLYPOSIS, GASTRIC. Identifiers: Orphanet 314022, MedGen C4749917, MONDO:0017790, OMIM 619182.
Desmoid disease, hereditary (DESMD). Also called: FIBROMATOSIS, FAMILIAL INFILTRATIVE. Identifiers: Orphanet 873, MedGen C1851124, OMIM 135290. Disease mechanism: loss of function.
Colorectal cancer. Also called: Colorectal cancer, somatic; Malignant Colorectal Neoplasm. Identifiers: MedGen C0346629, MONDO:0005575, OMIM 114500.
Gastric cancer. Also called: Stomach cancer; Malignant tumor of stomach. Identifiers: MedGen C0024623, MeSH D013274, MONDO:0001056, OMIM 613659, HP:0012126.
Hepatocellular carcinoma (HCC). Also called: Primary carcinoma of liver; HEPATOMA; LIVER CELL CARCINOMA. Identifiers: Orphanet 88673, MedGen C2239176, MONDO:0007256, OMIM 114550, HP:0001402.

Submissions (2):

ClinGen InSiGHT Hereditary Colorectal Cancer/Polyposis Variant Curation Expert Panel
Classification: Uncertain significance for Familial adenomatous polyposis 1. Last evaluated: 2025-05-19. Review status: reviewed by expert panel. Criteria: ClinGen InSiGHT HCCP VCEP ACMG Specifications APC V1. Collection method: curation. Allele origin: germline. Inheritance: Autosomal dominant inheritance.
Comment: The NM_000038.6(APC):c.1408+735A>T variant in APC is an intronic variant which is located in intron 11. Sequencing of cDNA demonstrated that the variant impacts splicing by insertion of an out of frame pseudoexon between exon 11 and 12 which was not present in 3 controls (PS3_Moderate as we have no data on leakage, PMID: 22431159). The variant c.1408+735A>T is located six nucleotides downstream of the pseudoexon and seems to improve the consensus sequence motif at the less-conserved +6 position of a cryptic splice donor site (for details see PMID: 22431159, this donor gain is also predicted by SpliceAI, score 0.62). This variant has been reported in 1 proband meeting phenotypic criteria, resulting in a total phenotype score of 1 (PS4_Supporting, PMID: 22431159). This variant is absent from gnomAD v2.1.1 (PM2_Supporting). Based on the limited data in a single case, this variant is evaluated as a variant of uncertain significance (VUS) for autosomal-dominant inherited FAP based on the ACMG/AMP criteria applied, as specified by the ClinGen InSiGHT Hereditary Colorectal Cancer/Polyposis VCEP: PS3_Moderate, PS4_Supporting, PM2_Supporting (VCEP specifications version v2.1.0; date of approval 11/24/2023).

Department of Pathology and Laboratory Medicine, Sinai Health System
Classification: Likely pathogenic for Colorectal cancer; Hepatocellular carcinoma; Desmoid disease, hereditary; Familial adenomatous polyposis 1; Gastric cancer; Gastric adenocarcinoma and proximal polyposis of the stomach. Review status: criteria provided, single submitter. Criteria: ACMG Guidelines, 2015. Collection method: clinical testing. Allele origin: germline. Not counted in ClinVar's aggregate classification.

Literature cited by the submitters: PubMed 22431159 (cited by ClinGen InSiGHT Hereditary Colorectal Cancer/Polyposis Variant Curation Expert Panel).

NM_000038.6(APC):c.1408+735A>T

Gene: APC (APC regulator of Wnt signaling pathway; plus strand). Cytogenetic location: 5q22.2.
Variant type: single nucleotide variant.
Coding change: c.1408+735A>T on transcript NM_000038.6 (MANE Select); 735 bases into the intron after coding-DNA position 1408, A replaced by T.
Molecular consequence: intron variant.
Genome position (GRCh38, 1-based): chr5:112,822,726, A>T. VCF-style: chr5-112822726-A-T. GRCh37 (hg19) VCF-style: chr5-112158423-A-T.
Other names: NM_001354906.2:c.559+735A>T; c.1231+735A>T (NM_001354901.2, NM_001407453.1); c.928+735A>T (NM_001354905.2); c.1106-581A>T (NM_001407455.1, NM_001407454.1, NM_001407457.1 and 1 more transcripts); c.1105+735A>T (NM_001407459.1, NM_001354903.2, NM_001407458.1 and 1 more transcripts); c.1334-581A>T (NM_001407451.1); c.1333+735A>T (NM_001354898.2); c.1030+735A>T (NM_001354904.2); and 12 more.
Identifiers: ClinVar variation 3892980 (VCV003892980.1).